The following is an entry in ClinVar:

ClinVar aggregate classification (germline): Pathogenic (1 of 4 stars; one submission).

Conditions:
Glycine encephalopathy 1 (GCE1). Identifiers: MedGen CN376801, MONDO:0958179, OMIM 605899.

Submission:

Myriad Genetics, Inc.
Classification: Pathogenic for Glycine encephalopathy 1. Last evaluated: 2025-10-29. Review status: criteria provided, single submitter. Criteria: Myriad Autosomal Dominant, Autosomal Recessive and X-Linked Classification Criteria (2023). Collection method: clinical testing. Allele origin: unknown.
Comment: NM_000170.2(GLDC):c.470+1G>T is a variant in a canonical splice site classified as pathogenic in the context of glycine encephalopathy, GLDC-related. c.470+1G>T has not been observed in cases with relevant disease. Relevant functional assessments of this variant are not available in the literature. c.470+1G>T has not been observed in referenced population frequency databases. In summary, NM_000170.2(GLDC):c.470+1G>T is a variant in a canonical splice site in a gene where loss of function is a known mechanism of disease and is predicted to disrupt protein function. Please note: this variant was assessed in the context of healthy population screening.

NM_000170.3(GLDC):c.470+1G>T

Gene: GLDC (glycine decarboxylase; minus strand). Cytogenetic location: 9p24.1.
Variant type: single nucleotide variant.
Coding change: c.470+1G>T on transcript NM_000170.3 (MANE Select); the canonical splice donor site of the intron after coding-DNA position 470, G replaced by T.
Molecular consequence: splice donor variant.
Genome position (GRCh38, 1-based): chr9:6,620,183, C>A on the plus strand (G>T on the coding strand, the complement: GLDC is on the minus strand). VCF-style: chr9-6620183-C-A. GRCh37 (hg19) VCF-style: chr9-6620183-C-A.
Identifiers: ClinVar variation 5003847 (VCV005003847.1).